The following is an entry in ClinVar:

ClinVar aggregate classification (germline): Likely benign (1 of 4 stars; one submission).

Conditions:
NRP2-related disorder. Also called: NRP2-related condition.

gnomAD v4.1: 207 of 1,614,148 alleles (0.013%); highest among the groups gnomAD compares: East Asian, 0.42%; 2 homozygotes.

Submission:

PreventionGenetics, part of Exact Sciences
Classification: Likely benign for NRP2-related condition. Last evaluated: 2025-01-29. Review status: criteria provided, single submitter. Criteria: ACMG Guidelines, 2015. Collection method: clinical testing. Allele origin: germline.
Comment: This variant is classified as likely benign based on ACMG/AMP sequence variant interpretation guidelines (Richards et al. 2015 PMID: 25741868, with internal and published modifications).

NM_003872.3(NRP2):c.1858G>A (p.Glu620Lys)

Gene: NRP2 (neuropilin 2; plus strand). Cytogenetic location: 2q33.3.
Variant type: single nucleotide variant.
Coding change: c.1858G>A on transcript NM_003872.3 (MANE Select); coding-DNA position 1858, G replaced by A.
Protein change: p.Glu620Lys; replaces glutamic acid 620 with lysine.
Molecular consequence: missense variant.
Genome position (GRCh38, 1-based): chr2:205,749,796, G>A. VCF-style: chr2-205749796-G-A. GRCh37 (hg19) VCF-style: chr2-206614520-G-A.
Other names: c.1858G>A, p.Glu620Lys (NM_018534.4, NM_201266.2, NM_201267.2 and 1 more transcripts); short protein forms E620K.
Identifiers: ClinVar variation 3350267 (VCV003350267.2).